The following is an entry in ClinVar:

ClinVar aggregate classification (germline): Likely benign (1 of 4 stars; one submission).

Submission:

CeGaT Center for Human Genetics Tuebingen
Classification: Likely benign. Last evaluated: 2026-05-01. Review status: criteria provided, single submitter. Criteria: CeGaT Center For Human Genetics Tuebingen Variant Classification Criteria Version 2. Collection method: clinical testing. Allele origin: germline. Affected: yes. Observed: 1 variant allele.
Comment: GRXCR1: PM2:Supporting, BP4, BP7

NM_001080476.3(GRXCR1):c.723T>A (p.Ser241=)

Gene: GRXCR1 (glutaredoxin and cysteine rich domain containing 1; plus strand). Cytogenetic location: 4p13.
Variant type: single nucleotide variant.
Coding change: c.723T>A on transcript NM_001080476.3 (MANE Select); coding-DNA position 723, T replaced by A.
Protein change: p.Ser241=; no amino-acid change (serine 241 retained).
Molecular consequence: synonymous variant.
Genome position (GRCh38, 1-based): chr4:43,030,390, T>A. VCF-style: chr4-43030390-T-A. GRCh37 (hg19) VCF-style: chr4-43032407-T-A.
Identifiers: ClinVar variation 4873420 (VCV004873420.2).
Genomic context (GRCh38, chr4:43,030,390, plus strand): 5'-TTTTCTCTTGTTCCCCTGCCACCTTATACAGAGAGTACAGCATCCACATGAGTGTCCCTC[T>A]TGTGGAGGCTTTGGCTTTCTTCCATGCTCCGTGTGCCATGGGAGCAAGATGTCCATGTTT-3'
Protein context (NP_001073945.1, residues 231-251): ERVQHPHECP[Ser241=]CGGFGFLPCS